The following is an entry in ClinVar:

NM_024715.4(TXNDC15):c.703C>T (p.Arg235Trp)

Gene: TXNDC15 (thioredoxin domain containing 15; plus strand). Cytogenetic location: 5q31.1.
Variant type: single nucleotide variant.
Coding change: c.703C>T on transcript NM_024715.4 (MANE Select); coding-DNA position 703, C replaced by T.
Protein change: p.Arg235Trp; replaces arginine 235 with tryptophan.
Molecular consequence: missense variant.
Genome position (GRCh38, 1-based): chr5:134,893,603, C>T. VCF-style: chr5-134893603-C-T. GRCh37 (hg19) VCF-style: chr5-134229293-C-T.
Other names: c.499C>T, p.Arg167Trp (NM_001350735.2); short protein forms R167W, R235W.
Identifiers: ClinVar variation 2501781 (VCV002501781.2), dbSNP rs563251762, ClinGen allele CA3416914.

ClinVar aggregate classification (germline): Uncertain significance. Review status: criteria provided, multiple submitters, no conflicts (2 of 4 stars). 2 submissions from 2 submitters: Uncertain significance (2). Last evaluated 2026-04-11.

Conditions:
Severe combined immunodeficiency, autosomal recessive, T cell-negative, B cell-negative, NK cell-positive. Also called: SCID, T CELL-NEGATIVE, B CELL-NEGATIVE, NK CELL-POSITIVE; SCID, AR, T-cell negative, B-cell negative, NK cell-positive; Severe combined immunodeficiency due to complete RAG1/2 deficiency. Identifiers: Orphanet 331206, MedGen C1832322, MONDO:0011086, OMIM 601457.
Joubert syndrome and related disorders. Identifiers: Orphanet 140874, MedGen C5679612, MONDO:0015369.

Allele frequency attached by ClinVar (database versions not stated): gnomAD 0.00001; ExAC 0.00004.
gnomAD v4.1: 21 of 1,614,212 alleles (0.0013%); highest among the groups gnomAD compares: South Asian, 0.0088%; no homozygotes.

Submissions (2):

Institute of Genetic Medicine, Newcastle University
Classification: Uncertain significance for Joubert syndrome and related disorders. Last evaluated: 2026-04-11. Review status: criteria provided, single submitter. Criteria: ACMG Guidelines, 2015. Collection method: research. Allele origin: germline. Inheritance: Autosomal recessive inheritance. Affected: yes. Observed: 1 variant allele.
Comment: PM2_Supporting (gnomAD v4.1.0 popmax 0.088%); PM3_Supporting (in trans with another TXNDC15 VUS). Thioredoxin-domain missense; In silico tools predict deleterious effect (AlphaMissense 0.928).

Genomic Medicine Center of Excellence, King Faisal Specialist Hospital and Research Centre
Classification: Uncertain significance for Severe combined immunodeficiency, autosomal recessive, T cell-negative, B cell-negative, NK cell-positive. Last evaluated: 2023-05-08. Review status: criteria provided, single submitter. Criteria: ACMG Guidelines, 2015. Collection method: research. Allele origin: germline. Affected: yes.